The following is an entry in ClinVar:

NM_001077365.2(POMT1):c.1667A>G (p.Asn556Ser)

Gene: POMT1 (protein O-mannosyltransferase 1; plus strand). Cytogenetic location: 9q34.13.
Variant type: single nucleotide variant.
Coding change: c.1667A>G on transcript NM_001077365.2 (MANE Select); coding-DNA position 1667, A replaced by G.
Protein change: p.Asn556Ser; replaces asparagine 556 with serine.
Molecular consequence: missense variant. On other transcripts: non-coding transcript variant (10).
Genome position (GRCh38, 1-based): chr9:131,520,162, A>G. VCF-style: chr9-131520162-A-G. GRCh37 (hg19) VCF-style: chr9-134395549-A-G.
Other names: c.1505A>G, p.Asn502Ser (NM_001077366.2, NM_001353194.2); c.1667A>G, p.Asn556Ser (NM_001136113.2); c.1316A>G, p.Asn439Ser (NM_001136114.2, NM_001353195.2, NM_001374691.1 and 2 more transcripts); c.1733A>G, p.Asn578Ser (NM_001353193.2, NM_007171.4); c.1577A>G, p.Asn526Ser (NM_001353196.2); c.1571A>G, p.Asn524Ser (NM_001353197.2, NM_001353198.2); c.1382A>G, p.Asn461Ser (NM_001353199.2); c.1211A>G, p.Asn404Ser (NM_001353200.2); and 4 more; short protein forms N179S, N404S, N426S, N439S, N461S, N483S, N502S, N524S.
Identifiers: ClinVar variation 2415501 (VCV002415501.8), dbSNP rs770716929, ClinGen allele CA5293769.

ClinVar aggregate classification (germline): Uncertain significance (1 of 4 stars; one submission).

Conditions:
Walker-Warburg congenital muscular dystrophy. Also called: Muscular dystrophy-dystroglycanopathy, type A; Walker-Warburg syndrome. Identifiers: Orphanet 899, MedGen C0265221, MONDO:0000171.
Muscular dystrophy-dystroglycanopathy (congenital with impaired intellectual development), type B, 1. Also called: Muscular dystrophy-dystroglycanopathy (congenital with intellectual disability), type B1; MUSCULAR DYSTROPHY, CONGENITAL, POMT1-RELATED. Identifiers: MedGen C5436962, MONDO:0013159, OMIM 613155.
Autosomal recessive limb-girdle muscular dystrophy type 2K. Also called: MUSCULAR DYSTROPHY-DYSTROGLYCANOPATHY (LIMB-GIRDLE), TYPE C, 1; MUSCULAR DYSTROPHY, LIMB-GIRDLE, TYPE 2K. Identifiers: Orphanet 86812, MedGen C1836373, MONDO:0012248, OMIM 609308.

Allele frequency attached by ClinVar (database versions not stated): gnomAD exomes below 0.00001; ExAC 0.00002.

Submission:

Labcorp Genetics (formerly Invitae), Labcorp
Classification: Uncertain significance for Muscular dystrophy-dystroglycanopathy (congenital with impaired intellectual development), type B, 1; Walker-Warburg congenital muscular dystrophy; Autosomal recessive limb-girdle muscular dystrophy type 2K. Last evaluated: 2022-03-13. Review status: criteria provided, single submitter. Criteria: Invitae Variant Classification Sherloc (09022015). Collection method: clinical testing. Allele origin: germline.
Comment: In summary, the available evidence is currently insufficient to determine the role of this variant in disease. Therefore, it has been classified as a Variant of Uncertain Significance. Algorithms developed to predict the effect of missense changes on protein structure and function output the following: SIFT: "Tolerated"; PolyPhen-2: "Benign"; Align-GVGD: "Class C0". The serine amino acid residue is found in multiple mammalian species, which suggests that this missense change does not adversely affect protein function. This variant has not been reported in the literature in individuals affected with POMT1-related conditions. This variant is present in population databases (rs770716929, gnomAD 0.006%). This sequence change replaces asparagine, which is neutral and polar, with serine, which is neutral and polar, at codon 578 of the POMT1 protein (p.Asn578Ser).